The following is an entry in ClinVar:

NM_003495.3(H4C9):c.52C>T (p.Arg18Cys)

Genes: H2BC12 (H2B clustered histone 12; minus strand), H4C9 (H4 clustered histone 9; plus strand). Cytogenetic location: 6p22.1.
Variant type: single nucleotide variant.
Coding change: c.52C>T on transcript NM_003495.3 (MANE Select); coding-DNA position 52, C replaced by T.
Protein change: p.Arg18Cys; replaces arginine 18 with cysteine.
Molecular consequence: missense variant. On other transcripts: intron variant (1).
Genome position (GRCh38, 1-based): chr6:27,139,360, C>T. VCF-style: chr6-27139360-C-T. GRCh37 (hg19) VCF-style: chr6-27107139-C-T.
Other names: c.*10-679G>A (NM_080593.2); short protein forms R18C.
Identifiers: ClinVar variation 4056785 (VCV004056785.1).

ClinVar aggregate classification (germline): Uncertain significance (1 of 4 stars; one submission).

Conditions:
Tessadori-Van Haaften neurodevelopmental syndrome 4 (TEBIVANED4). Identifiers: MedGen C5677016, MONDO:0031000, OMIM 619951.

gnomAD v4.1: 3 of 1,613,984 alleles (0.00019%); highest among the groups gnomAD compares: South Asian, 0.0011%; no homozygotes.

Submission:

Laboratorio de Genetica e Diagnostico Molecular, Hospital Israelita Albert Einstein
Classification: Uncertain significance for Tessadori-Van Haaften neurodevelopmental syndrome 4. Last evaluated: 2023-09-08. Review status: criteria provided, single submitter. Criteria: ACMG Guidelines, 2015. Collection method: clinical testing. Allele origin: germline. Affected: yes.
Comment: ACMG classification criteria: PM2 moderate, BP4 supporting